The following is an entry in ClinVar:

ClinVar aggregate classification (germline): Pathogenic (1 of 4 stars; one submission).

Conditions:
Autosomal recessive limb-girdle muscular dystrophy type 2C (LGMDR5). Also called: MUSCULAR DYSTROPHY, DUCHENNE-LIKE; MUSCULAR DYSTROPHY, LIMB-GIRDLE, AUTOSOMAL RECESSIVE 5. Identifiers: Orphanet 353, MedGen C0410173, MONDO:0009677, OMIM 253700. Disease mechanism: Affects gamma-sarcoglycan and also disrupts the integrity of the entire sarcoglycan complex..

Submission:

Labcorp Genetics (formerly Invitae), Labcorp
Classification: Pathogenic for Autosomal recessive limb-girdle muscular dystrophy type 2C. Last evaluated: 2022-12-21. Review status: criteria provided, single submitter. Criteria: Invitae Variant Classification Sherloc (09022015). Collection method: clinical testing. Allele origin: germline.
Comment: This sequence change creates a premature translational stop signal (p.Gly30Alafs*20) in the SGCG gene. It is expected to result in an absent or disrupted protein product. Loss-of-function variants in SGCG are known to be pathogenic (PMID: 18285821). This variant is not present in population databases (gnomAD no frequency). This variant has not been reported in the literature in individuals affected with SGCG-related conditions. For these reasons, this variant has been classified as Pathogenic.

Literature cited by the submitters: PubMed 18285821.

NM_000231.3(SGCG):c.89del (p.Gly30fs)

Gene: SGCG (sarcoglycan gamma; plus strand). Cytogenetic location: 13q12.12.
Variant type: Deletion.
Coding change: c.89del on transcript NM_000231.3 (MANE Select); coding-DNA position 89, one base deleted (G; older notation c.89delG).
Protein change: p.Gly30fs; shifts the reading frame from glycine 30.
Molecular consequence: frameshift variant.
Genome position (GRCh38, 1-based): chr13:23,203,783, G deleted; the last of 2 consecutive G bases (chr13:23,203,782-23,203,783); deleting either gives the same sequence. VCF-style (leftmost placement, unchanged base first): chr13-23203781-TG-T. GRCh37 (hg19) VCF-style: chr13-23777920-TG-T.
Other names: c.143del, p.Gly48fs (NM_001378244.1); c.89del, p.Gly30fs (NM_001378245.1, NM_001378246.1); short protein forms G48fs, G30fs.
Identifiers: ClinVar variation 2822772 (VCV002822772.3), dbSNP rs2500525027, ClinGen allele CA2739277463.
Genomic context (GRCh38, chr13:23,203,781, plus strand): 5'-CACAGAAGGCATCTGCATAGAGAGGCCAGAGAATCAGTATGTCTACAAAATTGGCATTTA[TG>T]GCTGGAGAAAGCGCTGTCTCTACTTGTTTGTTCTTCTTTTACTCATCATCCTCGTTGTGA-3'